The following is an entry in ClinVar:

NM_016120.4(RLIM):c.1864A>G (p.Ser622Gly)

Gene: RLIM (ring finger protein, LIM domain interacting; minus strand). Cytogenetic location: Xq13.2.
Variant type: single nucleotide variant.
Coding change: c.1864A>G on transcript NM_016120.4 (MANE Select); coding-DNA position 1864, A replaced by G.
Protein change: p.Ser622Gly; replaces serine 622 with glycine.
Molecular consequence: missense variant.
Genome position (GRCh38, 1-based): chrX:74,591,451, T>C on the plus strand (A>G on the coding strand, the complement: RLIM is on the minus strand). VCF-style: chrX-74591451-T-C. GRCh37 (hg19) VCF-style: chrX-73811286-T-C.
Other names: c.1864A>G, p.Ser622Gly (NM_183353.3); short protein forms S622G.
Identifiers: ClinVar variation 2409011 (VCV002409011.2), dbSNP rs2079612730, ClinGen allele CA413658726.

ClinVar aggregate classification (germline): Uncertain significance (1 of 4 stars; one submission).

Conditions:
Inborn genetic diseases. Identifiers: MedGen C0950123, MeSH D030342.

Submission:

Ambry Genetics
Classification: Uncertain significance for Inborn genetic diseases. Last evaluated: 2021-04-29. Review status: criteria provided, single submitter. Criteria: Ambry Variant Classification Scheme 2023. Collection method: clinical testing. Allele origin: germline.
Comment: The c.1864A>G (p.S622G) alteration is located in exon 5 (coding exon 3) of the RLIM gene. This alteration results from an A to G substitution at nucleotide position 1864, causing the serine (S) at amino acid position 622 to be replaced by a glycine (G). Based on data from the Genome Aggregation Database (gnomAD), the RLIM c.1864A>G alteration was not observed, with coverage at this position. This alteration has been reported de novo once from a cohort of fetuses with abnormalities detected on ultrasound. The affected fetus was reported with subependymal nodules in the left ventricle and mild left ventriculomegaly, but further clinical information was not provided (Qi, 2020). The p.S622 amino acid is highly conserved in available vertebrate species. The p.S622G alteration is predicted to be tolerated by in silico analysis. Based on insufficient or conflicting evidence, the clinical significance of this alteration remains unclear.

Literature cited by the submitters: PubMed 33255631.